The following is an entry in ClinVar:

NM_002637.4(PHKA1):c.3044G>A (p.Arg1015His)

Gene: PHKA1 (phosphorylase kinase regulatory subunit alpha 1; minus strand). Cytogenetic location: Xq13.1.
Variant type: single nucleotide variant.
Coding change: c.3044G>A on transcript NM_002637.4 (MANE Select); coding-DNA position 3044, G replaced by A.
Protein change: p.Arg1015His; replaces arginine 1015 with histidine.
Molecular consequence: missense variant. On other transcripts: intron variant (2).
Genome position (GRCh38, 1-based): chrX:72,602,019, C>T on the plus strand (G>A on the coding strand, the complement: PHKA1 is on the minus strand). VCF-style: chrX-72602019-C-T. GRCh37 (hg19) VCF-style: chrX-71821869-C-T.
Other names: c.2856+139G>A (NM_001172436.2); c.3033+139G>A (NM_001122670.2); short protein forms R1015H.
Identifiers: ClinVar variation 1962858 (VCV001962858.5), dbSNP rs2522405280, ClinGen allele CA413587320.

ClinVar aggregate classification (germline): Uncertain significance (1 of 4 stars; one submission).

Conditions:
Glycogen storage disease IXd (GSD9D). Also called: GSD IXd; Muscle Phosphorylase Kinase Deficiency. Identifiers: Orphanet 715, MedGen C1845151, MONDO:0010362, OMIM 300559.

gnomAD v4.1: 10 of 1,197,003 alleles (0.00084%); highest among the groups gnomAD compares: South Asian, 0.0018%; no homozygotes.

Submission:

Labcorp Genetics (formerly Invitae), Labcorp
Classification: Uncertain significance for Glycogen storage disease IXd. Last evaluated: 2022-01-03. Review status: criteria provided, single submitter. Criteria: Invitae Variant Classification Sherloc (09022015). Collection method: clinical testing. Allele origin: germline.
Comment: This sequence change replaces arginine, which is basic and polar, with histidine, which is basic and polar, at codon 1015 of the PHKA1 protein (p.Arg1015His). This variant has not been reported in the literature in individuals affected with PHKA1-related conditions. This variant is not present in population databases (gnomAD no frequency). In summary, the available evidence is currently insufficient to determine the role of this variant in disease. Therefore, it has been classified as a Variant of Uncertain Significance. Algorithms developed to predict the effect of missense changes on protein structure and function output the following: SIFT: "Deleterious"; PolyPhen-2: "Benign"; Align-GVGD: "Class C0". The histidine amino acid residue is found in multiple mammalian species, which suggests that this missense change does not adversely affect protein function.